The following is an entry in ClinVar:

ClinVar aggregate classification (germline): Uncertain significance (1 of 4 stars; one submission).

Conditions:
Hereditary cancer-predisposing syndrome. Also called: Neoplastic Syndromes, Hereditary; Tumor predisposition; Hereditary neoplastic syndrome; Hereditary Cancer Syndrome. Identifiers: Orphanet 140162, MedGen C0027672, MeSH D009386, MONDO:0015356.

Submission:

Ambry Genetics
Classification: Uncertain significance for Hereditary cancer-predisposing syndrome. Last evaluated: 2026-09-07. Review status: criteria provided, single submitter. Criteria: Ambry Variant Classification Scheme 2023. Collection method: clinical testing. Allele origin: germline.
Comment: The p.F1216V variant (also known as c.3646T>G), located in coding exon 10 of the BRCA2 gene, results from a T to G substitution at nucleotide position 3646. The phenylalanine at codon 1216 is replaced by valine, an amino acid with highly similar properties. This amino acid position is conserved. In addition, the in silico prediction for this alteration is inconclusive. Based on the available evidence, the clinical significance of this variant remains unclear.

NM_000059.4(BRCA2):c.3646T>G (p.Phe1216Val)

Gene: BRCA2 (BRCA2 DNA repair associated; plus strand). Cytogenetic location: 13q13.1.
Variant type: single nucleotide variant.
Coding change: c.3646T>G on transcript NM_000059.4 (MANE Select); coding-DNA position 3646, T replaced by G.
Protein change: p.Phe1216Val; replaces phenylalanine 1216 with valine.
Molecular consequence: missense variant. On other transcripts: non-coding transcript variant (1), intron variant (2).
Genome position (GRCh38, 1-based): chr13:32,338,001, T>G. VCF-style: chr13-32338001-T-G. GRCh37 (hg19) VCF-style: chr13-32912138-T-G.
Other names: c.3646T>G, p.Phe1216Val (NM_001406719.1, NM_001406720.1, NM_001432077.1); c.1909+4614T>G (NM_001406721.1); c.425-6557T>G (NM_001406722.1); short protein forms F1216V.
Identifiers: ClinVar variation 5033371 (VCV005033371.1).